The following is an entry in ClinVar:

NM_174936.4(PCSK9):c.1082T>A (p.Leu361His)

Gene: PCSK9 (proprotein convertase subtilisin/kexin type 9; plus strand). Cytogenetic location: 1p32.3.
Variant type: single nucleotide variant.
Coding change: c.1082T>A on transcript NM_174936.4 (MANE Select); coding-DNA position 1082, T replaced by A.
Protein change: p.Leu361His; replaces leucine 361 with histidine.
Molecular consequence: missense variant. On other transcripts: non-coding transcript variant (7).
Genome position (GRCh38, 1-based): chr1:55,057,416, T>A. VCF-style: chr1-55057416-T-A. GRCh37 (hg19) VCF-style: chr1-55523089-T-A.
Other names: c.1205T>A, p.Leu402His (NM_001407240.1); c.1082T>A, p.Leu361His (NM_001407241.1, NM_001407244.1, NM_001407247.1); c.1085T>A, p.Leu362His (NM_001407242.1); c.1025T>A, p.Leu342His (NM_001407243.1); c.890T>A, p.Leu297His (NM_001407245.1); c.707T>A, p.Leu236His (NM_001407246.1); short protein forms L361H, L402H, L236H, L297H, L342H, L362H.
Identifiers: ClinVar variation 2774053 (VCV002774053.2), dbSNP rs1390475114, ClinGen allele CA340476588.
Genomic context (GRCh38, chr1:55,057,416, plus strand): 5'-CCCAAGACCAGCCGGTGACCCTGGGGACTTTGGGGACCAACTTTGGCCGCTGTGTGGACC[T>A]CTTTGCCCCAGGGGAGGACATCATTGGTGCCTCCAGCGACTGCAGCACCTGCTTTGTGTC-3'
Protein context (NP_777596.2, residues 351-371): LGTNFGRCVD[Leu361His]FAPGEDIIGA

ClinVar aggregate classification (germline): Uncertain significance (1 of 4 stars; one submission).

Conditions:
Familial hypercholesterolemia. Also called: Familial hypercholesterolaemia. Identifiers: MedGen C0020445, MONDO:0005439.

Allele frequency attached by ClinVar (database versions not stated): gnomAD exomes below 0.00001; TOPMed below 0.00001; gnomAD 0.00001.
gnomAD v4.1: 2 of 1,614,026 alleles (0.00012%); highest among the groups gnomAD compares: East Asian, 0.0022%; no homozygotes.

Submission:

Color Diagnostics, LLC DBA Color Health
Classification: Uncertain significance for Familial hypercholesterolemia. Last evaluated: 2024-03-06. Review status: criteria provided, single submitter. Criteria: ACMG Guidelines, 2015. Collection method: clinical testing. Allele origin: germline.
Comment: This missense variant replaces leucine with histidine at codon 361 of the PCSK9 protein. Computational prediction suggests that this variant may have deleterious impact on protein structure and function (internally defined REVEL score threshold >= 0.7, PMID: 27666373). To our knowledge, functional studies have not been reported for this variant. This variant has not been reported in individuals affected with familial hypercholesterolemia in the literature. This variant has been identified in 1/31398 chromosomes in the general population by the Genome Aggregation Database (gnomAD). The available evidence is insufficient to determine the role of this variant in disease conclusively. Therefore, this variant is classified as a Variant of Uncertain Significance.